The following is an entry in ClinVar:

NM_001365276.2(TNXB):c.2251A>G (p.Thr751Ala)

Gene: TNXB (tenascin XB; minus strand). Cytogenetic location: 6p21.33.
Variant type: single nucleotide variant.
Coding change: c.2251A>G on transcript NM_001365276.2 (MANE Select); coding-DNA position 2251, A replaced by G.
Protein change: p.Thr751Ala; replaces threonine 751 with alanine.
Molecular consequence: missense variant.
Genome position (GRCh38, 1-based): chr6:32,095,183, T>C on the plus strand (A>G on the coding strand, the complement: TNXB is on the minus strand). VCF-style: chr6-32095183-T-C. GRCh37 (hg19) VCF-style: chr6-32062960-T-C.
Other names: c.2251A>G, p.Thr751Ala (NM_001428335.1, NM_019105.8); short protein forms T751A.
Identifiers: ClinVar variation 4822747 (VCV004822747.4).

ClinVar aggregate classification (germline): Uncertain significance (1 of 4 stars; one submission).

Submission:

CeGaT Center for Human Genetics Tuebingen
Classification: Uncertain significance. Last evaluated: 2026-02-01. Review status: criteria provided, single submitter. Criteria: CeGaT Center For Human Genetics Tuebingen Variant Classification Criteria Version 2. Collection method: clinical testing. Allele origin: germline. Affected: yes. Observed: 1 variant allele.
Comment: TNXB: PM2, BP4